The following is an entry in ClinVar:

NM_000455.5(STK11):c.286A>G (p.Lys96Glu)

Gene: STK11 (serine/threonine kinase 11; plus strand). Cytogenetic location: 19p13.3.
Variant type: single nucleotide variant.
Coding change: c.286A>G on transcript NM_000455.5 (MANE Select); coding-DNA position 286, A replaced by G.
Protein change: p.Lys96Glu; replaces lysine 96 with glutamic acid.
Molecular consequence: missense variant.
Genome position (GRCh38, 1-based): chr19:1,207,199, A>G. VCF-style: chr19-1207199-A-G. GRCh37 (hg19) VCF-style: chr19-1207198-A-G.
Other names: short protein forms K96E.
Identifiers: ClinVar variation 229978 (VCV000229978.10), dbSNP rs876658314, ClinGen allele CA10580997.

ClinVar aggregate classification (germline): Uncertain significance. Review status: criteria provided, multiple submitters, no conflicts (2 of 4 stars). 4 submissions from 4 submitters: Uncertain significance (4). Last evaluated 2025-06-18.

Conditions:
Hereditary cancer-predisposing syndrome. Also called: Hereditary Cancer Syndrome; Neoplastic Syndromes, Hereditary; Tumor predisposition; Hereditary neoplastic syndrome. Identifiers: Orphanet 140162, MedGen C0027672, MeSH D009386, MONDO:0015356.
Peutz-Jeghers syndrome (PJS). Also called: POLYPOSIS, HAMARTOMATOUS INTESTINAL; POLYPS-AND-SPOTS SYNDROME; Peutz-Jeghers polyposis; Periorificial lentiginosis syndrome. Identifiers: Orphanet 2869, MedGen C0031269, MeSH D010580, MONDO:0008280, OMIM 175200.

Submissions (4):

Labcorp Genetics (formerly Invitae), Labcorp
Classification: Uncertain significance for Peutz-Jeghers syndrome. Last evaluated: 2025-06-18. Review status: criteria provided, single submitter. Criteria: Invitae Variant Classification Sherloc (09022015). Collection method: clinical testing. Allele origin: germline.
Comment: This sequence change replaces lysine, which is basic and polar, with glutamic acid, which is acidic and polar, at codon 96 of the STK11 protein (p.Lys96Glu). This variant is not present in population databases (gnomAD no frequency). This variant has not been reported in the literature in individuals affected with STK11-related conditions. ClinVar contains an entry for this variant (Variation ID: 229978). Invitae Evidence Modeling of protein sequence and biophysical properties (such as structural, functional, and spatial information, amino acid conservation, physicochemical variation, residue mobility, and thermodynamic stability) indicates that this missense variant is not expected to disrupt STK11 protein function with a negative predictive value of 95%. In summary, the available evidence is currently insufficient to determine the role of this variant in disease. Therefore, it has been classified as a Variant of Uncertain Significance.

Genome-Nilou Lab
Classification: Uncertain significance for Peutz-Jeghers syndrome. Last evaluated: 2021-07-15. Review status: criteria provided, single submitter. Criteria: ACMG Guidelines, 2015. Collection method: clinical testing. Allele origin: germline. Affected: no.

GeneDx
Classification: Uncertain significance. Last evaluated: 2021-05-11. Review status: criteria provided, single submitter. Criteria: GeneDx Variant Classification Process June 2021. Collection method: clinical testing. Allele origin: germline. Affected: yes.
Comment: Not observed in large population cohorts (Lek 2016); In silico analysis supports that this missense variant does not alter protein structure/function; Has not been previously published as pathogenic or benign to our knowledge

Ambry Genetics
Classification: Uncertain significance for Hereditary cancer-predisposing syndrome. Last evaluated: 2019-11-21. Review status: criteria provided, single submitter. Criteria: Ambry Variant Classification Scheme 2023. Collection method: clinical testing. Allele origin: germline.
Comment: The p.K96E variant (also known as c.286A>G), located in coding exon 1 of the STK11 gene, results from an A to G substitution at nucleotide position 286. The lysine at codon 96 is replaced by glutamic acid, an amino acid with similar properties. This amino acid position is highly conserved in available vertebrate species. In addition, this alteration is predicted to be tolerated by in silico analysis. Since supporting evidence is limited at this time, the clinical significance of this alteration remains unclear.